The following is an entry in ClinVar:

NM_004621.6(TRPC6):c.1780A>G (p.Ile594Val)

Gene: TRPC6 (transient receptor potential cation channel subfamily C member 6; minus strand). Cytogenetic location: 11q22.1.
Variant type: single nucleotide variant.
Coding change: c.1780A>G on transcript NM_004621.6 (MANE Select); coding-DNA position 1780, A replaced by G.
Protein change: p.Ile594Val; replaces isoleucine 594 with valine.
Molecular consequence: missense variant.
Genome position (GRCh38, 1-based): chr11:101,473,738, T>C on the plus strand (A>G on the coding strand, the complement: TRPC6 is on the minus strand). VCF-style: chr11-101473738-T-C. GRCh37 (hg19) VCF-style: chr11-101344469-T-C.
Other names: short protein forms I594V.
Identifiers: ClinVar variation 301905 (VCV000301905.5), dbSNP rs758348046, ClinGen allele CA6244249.
Genomic context (GRCh38, chr11:101,473,738, plus strand): 5'-AAATATAAGCTATCCTAGAGAAACTTAAAACTACAGCAATTGCATAAAGACCTTCAGATA[T>C]TATTTGAGGATCAGAGGGGTCCCACTTTATCCTGGCTAGGAAAAAGCAAAGACAAAGAGT-3'
Protein context (NP_004612.2, residues 584-604): IKWDPSDPQI[Ile594Val]SEGLYAIAVV

ClinVar aggregate classification (germline): Benign (1 of 4 stars; one submission).

Conditions:
Focal segmental glomerulosclerosis 2 (FSGS2). Identifiers: Orphanet 656, MedGen C1858915, MONDO:0011390, OMIM 603965.

Allele frequency attached by ClinVar (database versions not stated): gnomAD exomes below 0.00001 and 0.00001; ExAC 0.00002.
gnomAD v4.1: 2 of 1,613,688 alleles (0.00012%); highest among the groups gnomAD compares: South Asian, 0.0022%; no homozygotes.

Submission:

Illumina Laboratory Services, Illumina
Classification: Benign for Focal segmental glomerulosclerosis 2. Last evaluated: 2018-01-12. Review status: criteria provided, single submitter. Criteria: ICSL Variant Classification Criteria 13 December 2019. Collection method: clinical testing. Allele origin: germline.
Comment: This variant was observed in the ICSL laboratory as part of a predisposition screen in an ostensibly healthy population. It had not been previously curated by ICSL or reported in the Human Gene Mutation Database (HGMD: prior to June 1st, 2018), and was therefore a candidate for classification through an automated scoring system. Utilizing variant allele frequency, disease prevalence and penetrance estimates, and inheritance mode, an automated score was calculated to assess if this variant is too frequent to cause the disease. Based on the score and internal cut-off values, a variant classified as benign is not then subjected to further curation. The score for this variant resulted in a classification of benign for this disease.